The following is an entry in ClinVar:

NM_000528.4(MAN2B1):c.1744C>G (p.Gln582Glu)

Gene: MAN2B1 (mannosidase alpha class 2B member 1; minus strand). Cytogenetic location: 19p13.13.
Variant type: single nucleotide variant.
Coding change: c.1744C>G on transcript NM_000528.4 (MANE Select); coding-DNA position 1744, C replaced by G.
Protein change: p.Gln582Glu; replaces glutamine 582 with glutamic acid.
Molecular consequence: missense variant.
Genome position (GRCh38, 1-based): chr19:12,655,780, G>C on the plus strand (C>G on the coding strand, the complement: MAN2B1 is on the minus strand). VCF-style: chr19-12655780-G-C. GRCh37 (hg19) VCF-style: chr19-12766594-G-C.
Other names: p.Gln582Glu; c.1741C>G, p.Gln581Glu (NM_001173498.2); short protein forms Q582E, Q581E.
Identifiers: ClinVar variation 457139 (VCV000457139.17), dbSNP rs59357922, ClinGen allele CA9226333.

ClinVar aggregate classification (germline): Benign. Review status: criteria provided, multiple submitters, no conflicts (2 of 4 stars). 4 submissions from 4 submitters: Benign (4). Last evaluated 2026-02-03.

Conditions:
Deficiency of alpha-mannosidase (MANSA). Also called: LYSOSOMAL ALPHA-D-MANNOSIDASE DEFICIENCY; Alpha-Mannosidosis; Mannosidosis, alpha-, types I and II. Identifiers: Orphanet 61, MedGen C0024748, MONDO:0009561, OMIM 248500.

Allele frequency attached by ClinVar (database versions not stated): gnomAD exomes 0.00071 and 0.00180; ExAC 0.00231; 1000 Genomes Project 0.00659; gnomAD 0.00731 and 0.00793; 1000 Genomes Project 30x 0.00734; TOPMed 0.00821; ESP Exome Variant Server 0.01000.
gnomAD v4.1: 2,193 of 1,610,168 alleles (0.14%); highest among the groups gnomAD compares: African/African-American, 2.7%; 29 homozygotes.

Submissions (4):

Labcorp Genetics (formerly Invitae), Labcorp
Classification: Benign for Deficiency of alpha-mannosidase. Last evaluated: 2026-02-03. Review status: criteria provided, single submitter. Criteria: Invitae Variant Classification Sherloc (09022015). Collection method: clinical testing. Allele origin: germline.

Fulgent Genetics
Classification: Benign for Deficiency of alpha-mannosidase. Last evaluated: 2021-12-10. Review status: criteria provided, single submitter. Criteria: ACMG Guidelines, 2015. Collection method: clinical testing. Allele origin: unknown.

Mayo Clinic Laboratories, Mayo Clinic
Classification: Benign. Last evaluated: 2021-04-27. Review status: criteria provided, single submitter. Criteria: ACMG Guidelines, 2015. Collection method: clinical testing. Allele origin: germline. Observed: 9 variant alleles.

Illumina Laboratory Services, Illumina
Classification: Benign for Deficiency of alpha-mannosidase. Last evaluated: 2018-01-13. Review status: criteria provided, single submitter. Criteria: ICSL Variant Classification Criteria 13 December 2019. Collection method: clinical testing. Allele origin: germline.
Comment: This variant was observed in the ICSL laboratory as part of a predisposition screen in an ostensibly healthy population. It had not been previously curated by ICSL or reported in the Human Gene Mutation Database (HGMD: prior to June 1st, 2018), and was therefore a candidate for classification through an automated scoring system. Utilizing variant allele frequency, disease prevalence and penetrance estimates, and inheritance mode, an automated score was calculated to assess if this variant is too frequent to cause the disease. Based on the score and internal cut-off values, a variant classified as benign is not then subjected to further curation. The score for this variant resulted in a classification of benign for this disease.